The following is an entry in ClinVar:

ClinVar aggregate classification (germline): Benign. Review status: criteria provided, multiple submitters, no conflicts (2 of 4 stars). 6 submissions from 5 submitters: Benign (5). 1 of the submissions does not count toward it. Last evaluated 2021-07-14.

Conditions:
Meckel syndrome, type 6. Identifiers: Orphanet 564, MedGen C2676790, MONDO:0012848, OMIM 612284.
Joubert syndrome 9 (JBTS9). Identifiers: Orphanet 2318, MedGen C2676788, MONDO:0012849, OMIM 612285.

Allele frequency attached by ClinVar (database versions not stated): gnomAD exomes 0.74231 and 0.75309; 1000 Genomes Project 30x 0.74485; 1000 Genomes Project 0.74820; ESP Exome Variant Server 0.74869; gnomAD 0.74924 and 0.75139; ExAC 0.74941; TOPMed 0.75002.
gnomAD v4.1: 1,180,609 of 1,589,156 alleles (74%); highest among the groups gnomAD compares: East Asian, 78%; 439,358 homozygotes.

Submissions (7):

Genome-Nilou Lab
Classification: Benign for Joubert syndrome 9. Last evaluated: 2021-07-14. Review status: criteria provided, single submitter. Criteria: ACMG Guidelines, 2015. Collection method: clinical testing. Allele origin: germline. Affected: no.

Genome-Nilou Lab
Classification: Benign for Meckel syndrome, type 6. Last evaluated: 2021-07-14. Review status: criteria provided, single submitter. Criteria: ACMG Guidelines, 2015. Collection method: clinical testing. Allele origin: germline. Affected: no.

GeneDx
Classification: Benign. Last evaluated: 2018-06-26. Review status: criteria provided, single submitter. Criteria: GeneDx Variant Classification Process June 2021. Collection method: clinical testing. Allele origin: germline. Affected: yes.

Breakthrough Genomics
Classification: Benign. Review status: criteria provided, single submitter. Criteria: ACMG Guidelines, 2015. Collection method: not provided. Allele origin: germline. Inheritance: Autosomal recessive inheritance. Affected: yes.

PreventionGenetics, part of Exact Sciences
Classification: Benign. Review status: criteria provided, single submitter. Criteria: ACMG Guidelines, 2015. Collection method: clinical testing. Allele origin: germline.

Dr. Peter K. Rogan Lab, Western University
No classification provided (evidence only). Condition: Familial cancer of breast. Review status: no classification provided. Collection method: in vitro. Allele origin: not applicable. Functional consequence: retained intron. Not counted in ClinVar's aggregate classification.

Genetic Services Laboratory, University of Chicago
Classification: Likely benign for AllHighlyPenetrant. Review status: no assertion criteria provided. Collection method: clinical testing. Allele origin: germline. Inheritance: Autosomal recessive inheritance. Observed: 325 variant alleles. Not counted in ClinVar's aggregate classification.
Comment: Likely benign based on allele frequency in 1000 Genomes Project or ESP global frequency and its presence in a patient with a rare or unrelated disease phenotype. NOT Sanger confirmed.

NM_001378615.1(CC2D2A):c.1764+45T>G

Genes: CC2D2A (coiled-coil and C2 domain containing 2A; plus strand), FBXL5 (F-box and leucine rich repeat protein 5; minus strand). Cytogenetic location: 4p15.32.
Variant type: single nucleotide variant.
Coding change: c.1764+45T>G on transcript NM_001378615.1 (MANE Select); 45 bases into the intron after coding-DNA position 1764, T replaced by G.
Molecular consequence: intron variant.
Genome position (GRCh38, 1-based): chr4:15,537,121, T>G. VCF-style: chr4-15537121-T-G. GRCh37 (hg19) VCF-style: chr4-15538744-T-G.
Other names: NC_000004.11:g.15538744T>G; c.1764+45T>G (NM_001080522.2); c.1617+45T>G (NM_001378617.1).
Identifiers: ClinVar variation 126230 (VCV000126230.15), dbSNP rs1558572, ClinGen allele CA150857.
Genomic context (GRCh38, chr4:15,537,121, plus strand): 5'-CTGGAGGAAAGTGCAAGTGTGTAAACAAACACTCAGCCTGGAATAGGGCTGGCCAGGAAG[T>G]GTCTGGGAGGGCAGCCTCCAGTACAGGAGTGGGGAAACCAGACTGGCAGACTAGGGTATC-3'